The following is an entry in ClinVar:

NM_052989.3(IFT122):c.1402C>T (p.Gln468Ter)

Gene: IFT122 (intraflagellar transport 122; plus strand). Cytogenetic location: 3q21.3.
Variant type: single nucleotide variant.
Coding change: c.1402C>T on transcript NM_052989.3 (MANE Select); coding-DNA position 1402, C replaced by T.
Protein change: p.Gln468Ter; replaces glutamine 468 with a stop codon.
Molecular consequence: nonsense.
Genome position (GRCh38, 1-based): chr3:129,479,836, C>T. VCF-style: chr3-129479836-C-T. GRCh37 (hg19) VCF-style: chr3-129198679-C-T.
Other names: c.1378C>T, p.Gln460Ter (NM_001280541.2); c.952C>T, p.Gln318Ter (NM_001280545.2); c.775C>T, p.Gln259Ter (NM_001280546.2); c.1402C>T, p.Gln468Ter (NM_001410808.1, NM_001410809.1); c.1225C>T, p.Gln409Ter (NM_001410810.1, NM_001410811.1, NM_001410813.1 and 1 more transcripts); c.1069C>T, p.Gln357Ter (NM_001410815.1, NM_001410817.1, NM_001438041.1 and 1 more transcripts); c.1246C>T, p.Gln416Ter (NM_001438637.1, NM_001438638.1, NM_001438639.1 and 1 more transcripts); c.1555C>T, p.Gln519Ter (NM_052985.4); short protein forms Q409*, Q468*, Q259*, Q318*, Q416*, Q519*, Q357*, Q460*.
Identifiers: ClinVar variation 4707601 (VCV004707601.2).

ClinVar aggregate classification (germline): Pathogenic/Likely pathogenic. Review status: criteria provided, multiple submitters, no conflicts (2 of 4 stars). 2 submissions from 2 submitters: Pathogenic (1); Likely pathogenic (1). Last evaluated 2026-01-08.

Conditions:
Cranioectodermal dysplasia 1 (CED1). Also called: LEVIN SYNDROME I. Identifiers: Orphanet 1515, MedGen C0432235, MONDO:0021093, OMIM 218330.
IFT122-related disorder. Also called: IFT122-related condition.

gnomAD v4.1: 2 of 1,614,014 alleles (0.00012%); highest among the groups gnomAD compares: Admixed American, 0.0033%; no homozygotes.

Submissions (2):

Labcorp Genetics (formerly Invitae), Labcorp
Classification: Pathogenic for Cranioectodermal dysplasia 1. Last evaluated: 2026-01-08. Review status: criteria provided, single submitter. Criteria: Invitae Variant Classification Sherloc (09022015). Collection method: clinical testing. Allele origin: germline.
Comment: This sequence change creates a premature translational stop signal (p.Gln519*) in the IFT122 gene. It is expected to result in an absent or disrupted protein product. Loss-of-function variants in IFT122 are known to be pathogenic (PMID: 20493458, 23826986, 26792575). This variant is present in population databases (rs761794933, gnomAD 0.003%). This variant has not been reported in the literature in individuals affected with IFT122-related conditions. For these reasons, this variant has been classified as Pathogenic.

Blueprint Genetics
Classification: Likely pathogenic for IFT122-related disorders. Last evaluated: 2024-10-23. Review status: criteria provided, single submitter. Criteria: ACMG Guidelines, 2015. Collection method: clinical testing. Allele origin: germline. Affected: yes. Observed: 1 variant allele.

Literature cited by the submitters: PubMed 20493458 (cited by Labcorp Genetics (formerly Invitae), Labcorp); PubMed 23826986 (cited by Labcorp Genetics (formerly Invitae), Labcorp); PubMed 26792575 (cited by Labcorp Genetics (formerly Invitae), Labcorp).